The following is an entry in ClinVar:

NM_001375524.1(TRRAP):c.11014A>G (p.Thr3672Ala)

Gene: TRRAP (transformation/transcription domain associated protein; plus strand). Cytogenetic location: 7q22.1.
Variant type: single nucleotide variant.
Coding change: c.11014A>G on transcript NM_001375524.1 (MANE Select); coding-DNA position 11014, A replaced by G.
Protein change: p.Thr3672Ala; replaces threonine 3672 with alanine.
Molecular consequence: missense variant.
Genome position (GRCh38, 1-based): chr7:99,011,127, A>G. VCF-style: chr7-99011127-A-G. GRCh37 (hg19) VCF-style: chr7-98608750-A-G.
Other names: c.10972A>G, p.Thr3658Ala (NM_001244580.2); c.10885A>G, p.Thr3629Ala (NM_003496.4); short protein forms T3629A, T3658A, T3672A.
Identifiers: ClinVar variation 4279913 (VCV004279913.1).

ClinVar aggregate classification (germline): Uncertain significance (1 of 4 stars; one submission).

Conditions:
Developmental delay with or without dysmorphic facies and autism. Identifiers: MedGen C5193106, MONDO:0032760, OMIM 618454.

gnomAD v4.1: 1 of 1,614,008 alleles (0.000062%); highest among the groups gnomAD compares: African/African-American, 0.0013%; no homozygotes.

Submission:

Clinical Genomics Laboratory, Washington University in St. Louis
Classification: Uncertain significance for Developmental delay with or without dysmorphic facies and autism. Last evaluated: 2025-09-05. Review status: criteria provided, single submitter. Criteria: ACMG Guidelines, 2015. Collection method: clinical testing. Allele origin: germline.
Comment: The TRRAP c.11014A>G (p.Thr3672Ala) variant, to our knowledge, has not been reported in the medical literature. This variant is absent from the general population (gnomAD v2.1.1), indicating it is not a common variant. Computational predictors are uncertain as to the impact of this variant on TRRAP function. The TRRAP gene has a low rate of benign missense variation, and pathogenic missense variants are a common mechanism of disease. Due to limited information, and based on ACMG/AMP guidelines for variant interpretation (Richards S et al., PMID: 25741868), the clinical significance of this variant is uncertain at this time.